The following is an entry in ClinVar:

ClinVar aggregate classification (germline): Uncertain significance (1 of 4 stars; one submission).

Allele frequency attached by ClinVar (database versions not stated): gnomAD exomes below 0.00001; ExAC 0.00001.

Submission:

Women's Health and Genetics/Laboratory Corporation of America, LabCorp
Classification: Uncertain significance. Last evaluated: 2023-12-13. Review status: criteria provided, single submitter. Criteria: LabCorp Variant Classification Summary - May 2015. Collection method: clinical testing. Allele origin: germline.
Comment: Variant summary: MRPS22 c.878+2dupT duplicates a conserved nucleotide within a canonical splice site and therefore could affect mRNA splicing, leading to a significantly altered protein sequence. Several computational tools predict a significant impact on normal splicing: three predict the variant abolishes a 5' splicing donor site. However, these predictions have yet to be confirmed by functional studies. The variant allele was found at a frequency of 4e-06 in 250646 control chromosomes (i.e., 1 heterozygote; gnomAD v2.1.1 Exomes dataset). The available data on variant occurrences in the general population are insufficient to allow any conclusion about variant significance. c.878+2dupT has been reported in the literature in at least one heterozygous individual affected with primary ovarian insufficiency, however no second MRPS22 variant was reported in this individual (e.g., Gorsi_2022). This report does not provide unequivocal conclusions about association of the variant with MRPS22-Related Disorders. To our knowledge, no experimental evidence demonstrating an impact on protein function has been reported. The following publication was ascertained in the context of this evaluation (PMID: 34718612). No submitters have reported clinical-significance assessments for this variant to ClinVar after 2014. Based on the evidence outlined above, the variant was classified as uncertain significance.

Literature cited by the submitters: PubMed 34718612.

NM_020191.4(MRPS22):c.878+2dup

Gene: MRPS22 (mitochondrial ribosomal protein S22; plus strand). Cytogenetic location: 3q23.
Variant type: Duplication.
Coding change: c.878+2dup on transcript NM_020191.4 (MANE Select); the canonical splice donor site of the intron after coding-DNA position 878, one base duplicated (T; older notation c.878+2dupT).
Molecular consequence: splice donor variant.
Genome position (GRCh38, 1-based): chr3:139,352,794, T duplicated. VCF-style (leftmost placement, unchanged base first): chr3-139352793-G-GT. GRCh37 (hg19) VCF-style: chr3-139071635-G-GT.
Other names: c.875+2dup (NM_001363893.1); c.755+2dup (NM_001363857.1); c.878+2dupT (NM_020191.4).
Identifiers: ClinVar variation 2691677 (VCV002691677.1), dbSNP rs760887292, ClinGen allele CA2640832.
Genomic context (GRCh38, chr3:139,352,793, plus strand): 5'-GTATTTTGTAAATAATAAAAAGATTGATGGTTTGCTGATTGACCAGATTCAGAGAGATTT[G>GT]TAAGTATGATCTTAGTAAGTGAAAGAATCATTCTTATTGCTCTAACAGTTCATCTGTATT-3'